The following is an entry in ClinVar:

NM_001171.6(ABCC6):c.3769C>A (p.Pro1257Thr)

Gene: ABCC6 (ATP binding cassette subfamily C member 6; minus strand). Cytogenetic location: 16p13.11.
Variant type: single nucleotide variant.
Coding change: c.3769C>A on transcript NM_001171.6 (MANE Select); coding-DNA position 3769, C replaced by A.
Protein change: p.Pro1257Thr; replaces proline 1257 with threonine.
Molecular consequence: missense variant. On other transcripts: non-coding transcript variant (1).
Genome position (GRCh38, 1-based): chr16:16,157,776, G>T on the plus strand (C>A on the coding strand, the complement: ABCC6 is on the minus strand). VCF-style: chr16-16157776-G-T. GRCh37 (hg19) VCF-style: chr16-16251633-G-T.
Other names: c.3427C>A, p.Pro1143Thr (NM_001351800.1); short protein forms P1257T, P1143T.
Identifiers: ClinVar variation 2014039 (VCV002014039.4), dbSNP rs750897812, ClinGen allele CA7925424.
Genomic context (GRCh38, chr16:16,157,776, plus strand): 5'-CAGGTCGGTATCTTAGCCCAAAGTCCCGGAACTCGATCTGCCCGCCCTGAGGCCAGGGGG[G>T]CTGAGCTGCACATGTGGGCAGCCTCCAGGGAGCCTGGAGCAGGAGGGGAAACTGAGTCAG-3'
Protein context (NP_001162.5, residues 1247-1267): PWRLPTCAAQ[Pro1257Thr]PWPQGGQIEF

ClinVar aggregate classification (germline): Uncertain significance (1 of 4 stars; one submission).

Allele frequency attached by ClinVar (database versions not stated): TOPMed 0.00002.
gnomAD v4.1: 14 of 1,613,206 alleles (0.00087%); highest among the groups gnomAD compares: African/African-American, 0.0013%; no homozygotes.

Submission:

Labcorp Genetics (formerly Invitae), Labcorp
Classification: Uncertain significance. Last evaluated: 2024-10-26. Review status: criteria provided, single submitter. Criteria: Invitae Variant Classification Sherloc (09022015). Collection method: clinical testing. Allele origin: germline.
Comment: This sequence change replaces proline, which is neutral and non-polar, with threonine, which is neutral and polar, at codon 1257 of the ABCC6 protein (p.Pro1257Thr). This variant is present in population databases (rs750897812, gnomAD 0.005%). This variant has not been reported in the literature in individuals affected with ABCC6-related conditions. ClinVar contains an entry for this variant (Variation ID: 2014039). Invitae Evidence Modeling of protein sequence and biophysical properties (such as structural, functional, and spatial information, amino acid conservation, physicochemical variation, residue mobility, and thermodynamic stability) indicates that this missense variant is not expected to disrupt ABCC6 protein function with a negative predictive value of 95%. In summary, the available evidence is currently insufficient to determine the role of this variant in disease. Therefore, it has been classified as a Variant of Uncertain Significance.